The following is an entry in ClinVar:

NM_133497.4(KCNV2):c.873G>C (p.Gln291His)

Gene: KCNV2 (potassium voltage-gated channel modifier subfamily V member 2; plus strand). Cytogenetic location: 9p24.2.
Variant type: single nucleotide variant.
Coding change: c.873G>C on transcript NM_133497.4 (MANE Select); coding-DNA position 873, G replaced by C.
Protein change: p.Gln291His; replaces glutamine 291 with histidine.
Molecular consequence: missense variant.
Genome position (GRCh38, 1-based): chr9:2,718,612, G>C. VCF-style: chr9-2718612-G-C. GRCh37 (hg19) VCF-style: chr9-2718612-G-C.
Other names: short protein forms Q291H.
Identifiers: ClinVar variation 1463678 (VCV001463678.6), dbSNP rs139044338, ClinGen allele CA187973139.

ClinVar aggregate classification (germline): Uncertain significance (1 of 4 stars; one submission).

Allele frequency attached by ClinVar (database versions not stated): gnomAD 0.00001.
gnomAD v4.1: 8 of 1,612,994 alleles (0.0005%); highest among the groups gnomAD compares: South Asian, 0.0066%; no homozygotes.

Submission:

Labcorp Genetics (formerly Invitae), Labcorp
Classification: Uncertain significance. Last evaluated: 2021-11-28. Review status: criteria provided, single submitter. Criteria: Invitae Variant Classification Sherloc (09022015). Collection method: clinical testing. Allele origin: germline.
Comment: This sequence change replaces glutamine, which is neutral and polar, with histidine, which is basic and polar, at codon 291 of the KCNV2 protein (p.Gln291His). This variant is present in population databases (no rsID available, gnomAD 0.01%). This variant has not been reported in the literature in individuals affected with KCNV2-related conditions. Advanced modeling of protein sequence and biophysical properties (such as structural, functional, and spatial information, amino acid conservation, physicochemical variation, residue mobility, and thermodynamic stability) performed at Invitae indicates that this missense variant is not expected to disrupt KCNV2 protein function. In summary, the available evidence is currently insufficient to determine the role of this variant in disease. Therefore, it has been classified as a Variant of Uncertain Significance.